The following is an entry in ClinVar:

ClinVar aggregate classification (germline): Uncertain significance (1 of 4 stars; one submission).

gnomAD v4.1: 7 of 1,614,070 alleles (0.00043%); highest among the groups gnomAD compares: Admixed American, 0.012%; no homozygotes.

Submission:

Labcorp Genetics (formerly Invitae), Labcorp
Classification: Uncertain significance. Last evaluated: 2025-10-01. Review status: criteria provided, single submitter. Criteria: Invitae Variant Classification Sherloc (09022015). Collection method: clinical testing. Allele origin: germline.
Comment: This sequence change replaces aspartic acid, which is acidic and polar, with glycine, which is neutral and non-polar, at codon 752 of the SON protein (p.Asp752Gly). This variant is present in population databases (rs752828903, gnomAD 0.02%). This variant has not been reported in the literature in individuals affected with SON-related conditions. An algorithm developed to predict the effect of missense changes on protein structure and function (PolyPhen-2) suggests that this variant is likely to be disruptive. In summary, the available evidence is currently insufficient to determine the role of this variant in disease. Therefore, it has been classified as a Variant of Uncertain Significance.

NM_138927.4(SON):c.2255A>G (p.Asp752Gly)

Gene: SON (SON DNA and RNA binding protein; plus strand). Cytogenetic location: 21q22.11.
Variant type: single nucleotide variant.
Coding change: c.2255A>G on transcript NM_138927.4 (MANE Select); coding-DNA position 2255, A replaced by G.
Protein change: p.Asp752Gly; replaces aspartic acid 752 with glycine.
Molecular consequence: missense variant. On other transcripts: non-coding transcript variant (1), intron variant (1).
Genome position (GRCh38, 1-based): chr21:33,551,486, A>G. VCF-style: chr21-33551486-A-G. GRCh37 (hg19) VCF-style: chr21-34923792-A-G.
Other names: c.2255A>G, p.Asp752Gly (NM_001291411.2, NM_032195.3); c.244+5107A>G (NM_001291412.3); short protein forms D752G.
Identifiers: ClinVar variation 4691049 (VCV004691049.1).